The following is an entry in ClinVar:

ClinVar aggregate classification (germline): Uncertain significance. Review status: criteria provided, multiple submitters, no conflicts (2 of 4 stars). 2 submissions from 2 submitters: Uncertain significance (2). Last evaluated 2025-08-23.

Conditions:
Inborn genetic diseases. Identifiers: MedGen C0950123, MeSH D030342.

Allele frequency attached by ClinVar (database versions not stated): gnomAD exomes 0.00002; TOPMed 0.00027; gnomAD 0.00026.
gnomAD v4.1: 66 of 1,235,744 alleles (0.0053%); highest among the groups gnomAD compares: African/African-American, 0.092%; no homozygotes.

Submissions (2):

Ambry Genetics
Classification: Uncertain significance for Inborn genetic diseases. Last evaluated: 2025-08-23. Review status: criteria provided, single submitter. Criteria: Ambry Variant Classification Scheme 2023. Collection method: clinical testing. Allele origin: germline.

Mayo Clinic Laboratories, Mayo Clinic
Classification: Uncertain significance. Last evaluated: 2025-03-18. Review status: criteria provided, single submitter. Criteria: ACMG Guidelines, 2015. Collection method: clinical testing. Allele origin: germline. Observed: 1 variant allele.
Comment: PP3, PM2_supporting

NM_177400.3(NKX6-2):c.227T>C (p.Leu76Pro)

Gene: NKX6-2 (NK6 homeobox 2; minus strand). Cytogenetic location: 10q26.3.
Variant type: single nucleotide variant.
Coding change: c.227T>C on transcript NM_177400.3 (MANE Select); coding-DNA position 227, T replaced by C.
Protein change: p.Leu76Pro; replaces leucine 76 with proline.
Molecular consequence: missense variant.
Genome position (GRCh38, 1-based): chr10:132,785,722, A>G on the plus strand (T>C on the coding strand, the complement: NKX6-2 is on the minus strand). VCF-style: chr10-132785722-A-G. GRCh37 (hg19) VCF-style: chr10-134599226-A-G.
Other names: p.Leu76Pro; short protein forms L76P.
Identifiers: ClinVar variation 2372266 (VCV002372266.4), dbSNP rs935539429, ClinGen allele CA216760346.
Genomic context (GRCh38, chr10:132,785,722, plus strand): 5'-GCGGGCCCGAAGTAAACGCCGGCGGACGACGCGAGCCCGTTGAGCCGGGGCAGCCCCCCC[A>G]GGAGGCCCCCGCCCGCCGCGCCCACGGGCCGGCCCAGGATGTCGCTGATGCCGTGCGGGG-3'
Protein context (NP_796374.2, residues 66-86): RPVGAAGGGL[Leu76Pro]GGLPRLNGLA